The following is an entry in ClinVar:

ClinVar aggregate classification (germline): Uncertain significance (1 of 4 stars; one submission).

Conditions:
Progressive sclerosing poliodystrophy (MTDPS4A). Also called: ALPERS PROGRESSIVE INFANTILE POLIODYSTROPHY; NEURONAL DEGENERATION OF CHILDHOOD WITH LIVER DISEASE, PROGRESSIVE; Alpers Syndrome; ALPERS DIFFUSE DEGENERATION OF CEREBRAL GRAY MATTER WITH HEPATIC CIRRHOSIS; Alpers-Huttenlocher Syndrome; Mitochondrial DNA depletion syndrome 4A (Alpers type). Identifiers: Orphanet 726, MedGen C0205710, MONDO:0008758, OMIM 203700.

Submission:

Labcorp Genetics (formerly Invitae), Labcorp
Classification: Uncertain significance for Progressive sclerosing poliodystrophy. Last evaluated: 2025-01-29. Review status: criteria provided, single submitter. Criteria: Invitae Variant Classification Sherloc (09022015). Collection method: clinical testing. Allele origin: germline.
Comment: This sequence change replaces serine, which is neutral and polar, with glycine, which is neutral and non-polar, at codon 28 of the POLG protein (p.Ser28Gly). This variant is not present in population databases (gnomAD no frequency). This variant has not been reported in the literature in individuals affected with POLG-related conditions. Invitae Evidence Modeling of protein sequence and biophysical properties (such as structural, functional, and spatial information, amino acid conservation, physicochemical variation, residue mobility, and thermodynamic stability) indicates that this missense variant is not expected to disrupt POLG protein function with a negative predictive value of 95%. In summary, the available evidence is currently insufficient to determine the role of this variant in disease. Therefore, it has been classified as a Variant of Uncertain Significance.

NM_002693.3(POLG):c.82A>G (p.Ser28Gly)

Genes: POLG (DNA polymerase gamma, catalytic subunit; minus strand), POLGARF (POLG alternative reading frame; minus strand). Cytogenetic location: 15q26.1.
Variant type: single nucleotide variant.
Coding change: c.82A>G on transcript NM_002693.3 (MANE Select); coding-DNA position 82, A replaced by G.
Protein change: p.Ser28Gly; replaces serine 28 with glycine.
Molecular consequence: missense variant.
Genome position (GRCh38, 1-based): chr15:89,333,673, T>C on the plus strand (A>G on the coding strand, the complement: POLG is on the minus strand). VCF-style: chr15-89333673-T-C. GRCh37 (hg19) VCF-style: chr15-89876904-T-C.
Other names: c.137A>G, p.Gln46Arg (NM_001430120.1); c.82A>G, p.Ser28Gly (NM_001126131.2); short protein forms Q46R, S28G.
Identifiers: ClinVar variation 3636660 (VCV003636660.2).
Genomic context (GRCh38, chr15:89,333,673, plus strand): 5'-GCTGCTGCTGCTGCTGCCGCCGCCGCTGCCCGTCGCTGGGGTCGGACGCGGGGACGGAGC[T>C]GGAGACCCAGCGCCCCGGAGCTGGAACCGGCCCTGGCCCGACGGTGGCGCCGGCCACCTT-3'
Protein context (NP_002684.1, residues 18-38): PVPAPGRWVS[Ser28Gly]SVPASDPSDG